The following is an entry in ClinVar:

ClinVar aggregate classification (germline): Uncertain significance. Review status: criteria provided, multiple submitters, no conflicts (2 of 4 stars). 2 submissions from 2 submitters: Uncertain significance (2). Last evaluated 2022-02-27.

Conditions:
DICER1-related tumor predisposition. Also called: DICER1 syndrome; DICER1-related pleuropulmonary blastoma cancer predisposition syndrome. Identifiers: Orphanet 284343, MedGen C3839822, MONDO:0100216.
Hereditary cancer-predisposing syndrome. Also called: Neoplastic Syndromes, Hereditary; Tumor predisposition; Hereditary Cancer Syndrome; Hereditary neoplastic syndrome. Identifiers: Orphanet 140162, MedGen C0027672, MeSH D009386, MONDO:0015356.

Submissions (2):

Labcorp Genetics (formerly Invitae), Labcorp
Classification: Uncertain significance for DICER1-related tumor predisposition. Last evaluated: 2022-02-27. Review status: criteria provided, single submitter. Criteria: Invitae Variant Classification Sherloc (09022015). Collection method: clinical testing. Allele origin: germline.
Comment: In summary, the available evidence is currently insufficient to determine the role of this variant in disease. Therefore, it has been classified as a Variant of Uncertain Significance. Algorithms developed to predict the effect of missense changes on protein structure and function (SIFT, PolyPhen-2, Align-GVGD) all suggest that this variant is likely to be disruptive. This variant has not been reported in the literature in individuals affected with DICER1-related conditions. This variant is not present in population databases (gnomAD no frequency). This sequence change replaces arginine, which is basic and polar, with glutamine, which is neutral and polar, at codon 1855 of the DICER1 protein (p.Arg1855Gln).

Ambry Genetics
Classification: Uncertain significance for Hereditary cancer-predisposing syndrome. Last evaluated: 2022-02-23. Review status: criteria provided, single submitter. Criteria: Ambry Variant Classification Scheme 2023. Collection method: clinical testing. Allele origin: germline.
Comment: The p.R1855Q variant (also known as c.5564G>A), located in coding exon 25 of the DICER1 gene, results from a G to A substitution at nucleotide position 5564. The arginine at codon 1855 is replaced by glutamine, an amino acid with highly similar properties. This amino acid position is conserved. In addition, this alteration is predicted to be tolerated by in silico analysis. Since supporting evidence is limited at this time, the clinical significance of this alteration remains unclear.

NM_177438.3(DICER1):c.5564G>A (p.Arg1855Gln)

Gene: DICER1 (dicer 1, ribonuclease III; minus strand). Cytogenetic location: 14q32.13.
Variant type: single nucleotide variant.
Coding change: c.5564G>A on transcript NM_177438.3 (MANE Select); coding-DNA position 5564, G replaced by A.
Protein change: p.Arg1855Gln; replaces arginine 1855 with glutamine.
Molecular consequence: missense variant. On other transcripts: non-coding transcript variant (6).
Genome position (GRCh38, 1-based): chr14:95,091,073, C>T on the plus strand (G>A on the coding strand, the complement: DICER1 is on the minus strand). VCF-style: chr14-95091073-C-T. GRCh37 (hg19) VCF-style: chr14-95557410-C-T.
Other names: c.5401G>A, p.Glu1801Lys (NM_001195573.1); c.5282G>A, p.Arg1761Gln (NM_001395686.1); c.5159G>A, p.Arg1720Gln (NM_001395687.1, NM_001395688.1, NM_001395689.1 and 1 more transcripts); c.4997G>A, p.Arg1666Gln (NM_001395691.1); c.3881G>A, p.Arg1294Gln (NM_001395697.1); c.5564G>A, p.Arg1855Gln (NM_030621.4, NM_001271282.3, NM_001291628.2 and 8 more transcripts); short protein forms R1294Q, R1720Q, R1666Q, R1761Q, R1855Q, E1801K.
Identifiers: ClinVar variation 1748327 (VCV001748327.7), dbSNP rs2139773138, ClinGen allele CA390864249.